The following is an entry in ClinVar:

NM_022168.4(IFIH1):c.391G>A (p.Val131Ile)

Gene: IFIH1 (interferon induced with helicase C domain 1; minus strand). Cytogenetic location: 2q24.2.
Variant type: single nucleotide variant.
Coding change: c.391G>A on transcript NM_022168.4 (MANE Select); coding-DNA position 391, G replaced by A.
Protein change: p.Val131Ile; replaces valine 131 with isoleucine.
Molecular consequence: missense variant.
Genome position (GRCh38, 1-based): chr2:162,317,917, C>T on the plus strand (G>A on the coding strand, the complement: IFIH1 is on the minus strand). VCF-style: chr2-162317917-C-T. GRCh37 (hg19) VCF-style: chr2-163174427-C-T.
Other names: short protein forms V131I.
Identifiers: ClinVar variation 1499629 (VCV001499629.8), dbSNP rs2105237866, ClinGen allele CA349013471.
Genomic context (GRCh38, chr2:162,317,917, plus strand): 5'-GGTTTCTGTCTTCAATTGTCAACAGTTCCTCCTCCATGCACTTATCCAAGACGTCTCTAA[C>T]TAGAAGCTTGTCCACCAGAGTGGGCTGAAGGAGGTTCAGCAGTTGGAGATATTCATCATG-3'
Protein context (NP_071451.2, residues 121-141): LQPTLVDKLL[Val131Ile]RDVLDKCMEE

ClinVar aggregate classification (germline): Uncertain significance (1 of 4 stars; one submission).

Conditions:
Aicardi-Goutieres syndrome 7 (AGS7). Identifiers: Orphanet 51, MedGen C3888244, MONDO:0014367, OMIM 615846.
Singleton-Merten syndrome 1 (SGMRT1). Also called: Widened medullary cavities of bone, aortic calcification, abnormal dentition, and muscular weakness; Syndrome of widened medullary cavities of the metacarpals and phalanges, aortic calcification and abnormal dentition. Identifiers: Orphanet 85191, MedGen C4225427, MONDO:0024535, OMIM 182250.

Allele frequency attached by ClinVar (database versions not stated): gnomAD exomes below 0.00001.
gnomAD v4.1: 3 of 1,613,552 alleles (0.00019%); highest among the groups gnomAD compares: Non-Finnish European, 0.000085%; no homozygotes.

Submission:

Labcorp Genetics (formerly Invitae), Labcorp
Classification: Uncertain significance for Aicardi-Goutieres syndrome 7; Singleton-Merten syndrome 1. Last evaluated: 2024-02-24. Review status: criteria provided, single submitter. Criteria: Invitae Variant Classification Sherloc (09022015). Collection method: clinical testing. Allele origin: germline.
Comment: This sequence change replaces valine, which is neutral and non-polar, with isoleucine, which is neutral and non-polar, at codon 131 of the IFIH1 protein (p.Val131Ile). This variant is not present in population databases (gnomAD no frequency). This variant has not been reported in the literature in individuals affected with IFIH1-related conditions. ClinVar contains an entry for this variant (Variation ID: 1499629). Algorithms developed to predict the effect of missense changes on protein structure and function output the following: SIFT: "Not Available"; PolyPhen-2: "Benign"; Align-GVGD: "Not Available". The isoleucine amino acid residue is found in multiple mammalian species, which suggests that this missense change does not adversely affect protein function. In summary, the available evidence is currently insufficient to determine the role of this variant in disease. Therefore, it has been classified as a Variant of Uncertain Significance.